The following is an entry in ClinVar:

ClinVar aggregate classification (germline): Uncertain significance. Review status: criteria provided, single submitter (1 of 4 stars). 2 submissions from 2 submitters: Uncertain significance (1). 1 of the submissions does not count toward it. Last evaluated 2021-07-20.

Conditions:
Inborn genetic diseases. Identifiers: MedGen C0950123, MeSH D030342.
P3H1-related disorder. Also called: P3H1-related condition.

Allele frequency attached by ClinVar (database versions not stated): TOPMed 0.00002; gnomAD 0.00006; gnomAD exomes 0.00006; ExAC 0.00012.

Submissions (2):

Ambry Genetics
Classification: Uncertain significance for Inborn genetic diseases. Last evaluated: 2021-07-20. Review status: criteria provided, single submitter. Criteria: Ambry Variant Classification Scheme 2023. Collection method: clinical testing. Allele origin: germline.

PreventionGenetics, part of Exact Sciences
Classification: Uncertain significance for P3H1-related condition. Last evaluated: 2023-12-22. Review status: no assertion criteria provided. Collection method: clinical testing. Allele origin: germline. Not counted in ClinVar's aggregate classification.
Comment: The P3H1 c.851C>T variant is predicted to result in the amino acid substitution p.Thr284Met. To our knowledge, this variant has not been reported in the literature. This variant is reported in 0.078% of alleles in individuals of South Asian descent in gnomAD. Although we suspect that this variant may be benign, at this time, the clinical significance of this variant is uncertain due to the absence of conclusive functional and genetic evidence.

NM_022356.4(P3H1):c.851C>T (p.Thr284Met)

Gene: P3H1 (prolyl 3-hydroxylase 1; minus strand). Cytogenetic location: 1p34.2.
Variant type: single nucleotide variant.
Coding change: c.851C>T on transcript NM_022356.4 (MANE Select); coding-DNA position 851, C replaced by T.
Protein change: p.Thr284Met; replaces threonine 284 with methionine.
Molecular consequence: missense variant.
Genome position (GRCh38, 1-based): chr1:42,758,941, G>A on the plus strand (C>T on the coding strand, the complement: P3H1 is on the minus strand). VCF-style: chr1-42758941-G-A. GRCh37 (hg19) VCF-style: chr1-43224612-G-A.
Other names: c.851C>T, p.Thr284Met (NM_001146289.2, NM_001243246.2); short protein forms T284M.
Identifiers: ClinVar variation 2341942 (VCV002341942.4), dbSNP rs773887065, ClinGen allele CA802051.
Genomic context (GRCh38, chr1:42,758,941, plus strand): 5'-TAATGCGATGGGAGGAAGTCTTCAAAGGGCTTCTCTCGACTTGGGTGGGAAGCAAGCTCC[G>A]TGACACAGTTCTGCTTACAGTTGAGGACCTGGATGTAATGATCTGAAAGGAATCAAACAG-3'
Protein context (NP_071751.3, residues 274-294): QVLNCKQNCV[Thr284Met]ELASHPSREK